The following is an entry in ClinVar:

NM_000540.3(RYR1):c.6357C>T (p.Ala2119=)

Gene: RYR1 (ryanodine receptor 1; plus strand). Cytogenetic location: 19q13.2.
Variant type: single nucleotide variant.
Coding change: c.6357C>T on transcript NM_000540.3 (MANE Select); coding-DNA position 6357, C replaced by T.
Protein change: p.Ala2119=; no amino-acid change (alanine 2119 retained).
Molecular consequence: synonymous variant.
Genome position (GRCh38, 1-based): chr19:38,494,434, C>T. VCF-style: chr19-38494434-C-T. GRCh37 (hg19) VCF-style: chr19-38985074-C-T.
Other names: c.6357C>T, p.Ala2119= (NM_001042723.2).
Identifiers: ClinVar variation 2728694 (VCV002728694.4), dbSNP rs2514274549, ClinGen allele CA507242111.
Genomic context (GRCh38, chr19:38,494,434, plus strand): 5'-CCACATGGTGGTGCGCTGGGCCCAAGAGGACTTCGTGCAGAGCCCCGAGCTGGTGCGGGC[C>T]ATGTTCAGCCTCCTGCACCGGCAGTACGACGGGCTGGGTGAGCTGCTGCGTGCCCTGCCG-3'
Protein context (NP_000531.2, residues 2109-2129): DFVQSPELVR[Ala2119=]MFSLLHRQYD

ClinVar aggregate classification (germline): Conflicting classifications of pathogenicity. Review status: criteria provided, conflicting classifications (1 of 4 stars). 2 submissions from 2 submitters: Uncertain significance (1); Likely benign (1). Last evaluated 2025-12-06.

Conditions:
Malignant hyperthermia, susceptibility to, 1 (MHS1). Also called: Anesthesia related hyperthermia; Malignant hyperpyrexia; Fulminating hyperpyrexia; Pharmacogenic myopathy; RYR1-Related Malignant Hyperthermia Susceptibility; Malignant hyperthermia suceptibility 1. Identifiers: Orphanet 423, MedGen C2930980, MONDO:0007783, OMIM 145600.
RYR1-related disorder. Also called: RYR1-related disorders; RYR1-related condition. Identifiers: MedGen CN239331.

Submissions (2):

Labcorp Genetics (formerly Invitae), Labcorp
Classification: Likely benign for RYR1-related disorder. Last evaluated: 2025-12-06. Review status: criteria provided, single submitter. Criteria: Invitae Variant Classification Sherloc (09022015). Collection method: clinical testing. Allele origin: germline.

All of Us Research Program, National Institutes of Health
Classification: Uncertain significance for Malignant hyperthermia, susceptibility to, 1. Last evaluated: 2023-06-26. Review status: criteria provided, single submitter. Criteria: ACMG Guidelines, 2015. Collection method: clinical testing. Allele origin: germline. Inheritance: Autosomal dominant inheritance. Observed: 1 variant allele, 1 heterozygote.
Comment: This variant is located in the RYR1 protein. To our knowledge, functional studies have not been reported for this variant. This variant has not been reported in individuals affected with RYR1-related disorders in the literature. This variant has not been identified in the general population by the Genome Aggregation Database (gnomAD). The available evidence is insufficient to determine the role of this variant in disease conclusively. Therefore, this variant is classified as a Variant of Uncertain Significance.

This study involves interpretation of variants in research participants for the purpose of population health screening. Participant phenotype was not available at the time of variant classification. Additional details can be found in publication PMID: 35346344, PMCID: PMC8962531